The following is an entry in ClinVar:

ClinVar aggregate classification (germline): Uncertain significance. Review status: criteria provided, multiple submitters, no conflicts (2 of 4 stars). 2 submissions from 2 submitters: Uncertain significance (2). Last evaluated 2025-11-05.

Conditions:
Inborn genetic diseases. Identifiers: MedGen C0950123, MeSH D030342.
Immunodeficiency 104. Also called: Severe combined immunodeficiency, autosomal recessive, T cell-negative, B cell-positive, NK cell-positive; SCID, AUTOSOMAL RECESSIVE, T CELL-NEGATIVE, B CELL-POSITIVE, NK CELL-POSITIVE; Severe Combined Immune Deficiency, Autosomal Recessive, TCell -Negative, B Cell-Positive, NK Cell-Positive, IL7R-Related; IMMUNODEFICIENCY 104, SEVERE COMBINED. Identifiers: MedGen C5676890, MONDO:0012163, OMIM 608971.

Allele frequency attached by ClinVar (database versions not stated): gnomAD exomes 0.00006; ExAC 0.00009; ESP Exome Variant Server 0.00024; gnomAD 0.00031 and 0.00032; 1000 Genomes Project 0.00040; 1000 Genomes Project 30x 0.00047.
gnomAD v4.1: 93 of 1,607,656 alleles (0.0058%); highest among the groups gnomAD compares: African/African-American, 0.12%; no homozygotes.

Submissions (2):

Ambry Genetics
Classification: Uncertain significance for Inborn genetic diseases. Last evaluated: 2025-11-05. Review status: criteria provided, single submitter. Criteria: Ambry Variant Classification Scheme 2023. Collection method: clinical testing. Allele origin: germline.

Labcorp Genetics (formerly Invitae), Labcorp
Classification: Uncertain significance for Immunodeficiency 104. Last evaluated: 2022-08-19. Review status: criteria provided, single submitter. Criteria: Invitae Variant Classification Sherloc (09022015). Collection method: clinical testing. Allele origin: germline.
Comment: This sequence change replaces asparagine, which is neutral and polar, with serine, which is neutral and polar, at codon 974 of the PTPRC protein (p.Asn974Ser). This variant is present in population databases (rs115365240, gnomAD 0.1%). This variant has not been reported in the literature in individuals affected with PTPRC-related conditions. ClinVar contains an entry for this variant (Variation ID: 1524914). Algorithms developed to predict the effect of missense changes on protein structure and function output the following: SIFT: "Tolerated"; PolyPhen-2: "Benign"; Align-GVGD: "Class C0". The serine amino acid residue is found in multiple mammalian species, which suggests that this missense change does not adversely affect protein function. In summary, the available evidence is currently insufficient to determine the role of this variant in disease. Therefore, it has been classified as a Variant of Uncertain Significance.

NM_002838.5(PTPRC):c.2921A>G (p.Asn974Ser)

Gene: PTPRC (protein tyrosine phosphatase receptor type C; plus strand). Cytogenetic location: 1q32.1.
Variant type: single nucleotide variant.
Coding change: c.2921A>G on transcript NM_002838.5 (MANE Select); coding-DNA position 2921, A replaced by G.
Protein change: p.Asn974Ser; replaces asparagine 974 with serine.
Molecular consequence: missense variant.
Genome position (GRCh38, 1-based): chr1:198,748,182, A>G. VCF-style: chr1-198748182-A-G. GRCh37 (hg19) VCF-style: chr1-198717311-A-G.
Other names: c.2438A>G, p.Asn813Ser (NM_080921.4); c.2915A>G (NM_002838.3); short protein forms N974S, N813S.
Identifiers: ClinVar variation 1524914 (VCV001524914.6), dbSNP rs115365240, ClinGen allele CA1315281.